The following is an entry in ClinVar:

ClinVar aggregate classification (germline): Conflicting classifications of pathogenicity. Review status: criteria provided, conflicting classifications (1 of 4 stars). 5 submissions from 5 submitters: Pathogenic (1); Likely pathogenic (3); Uncertain significance (1). Last evaluated 2024-08-14.

Conditions:
Autosomal recessive polycystic kidney disease (ARPKD). Also called: AR polycystic kidney disease. Identifiers: Orphanet 731, Orphanet 8378, MedGen C0085548, MeSH D017044, MONDO:0009889.
PKHD1-related disorder. Also called: PKHD1-related condition.
Polycystic kidney disease 4 (PKD4). Also called: POLYCYSTIC KIDNEY AND HEPATIC DISEASE 1; PKD3; POLYCYSTIC KIDNEY DISEASE 4 WITH OR WITHOUT POLYCYSTIC LIVER DISEASE; Autosomal Recessive Polycystic Kidney Disease – PKHD1; POLYCYSTIC KIDNEY DISEASE, INFANTILE, TYPE I. Identifiers: MedGen C4540575, MONDO:0033004, OMIM 263200.

Allele frequency attached by ClinVar (database versions not stated): gnomAD exomes below 0.00001; ExAC 0.00001.
gnomAD v4.1: 20 of 1,614,094 alleles (0.0012%); highest among the groups gnomAD compares: Non-Finnish European, 0.0017%; no homozygotes.

Submissions (5):

Natera, Inc.
Classification: Pathogenic for Autosomal recessive polycystic kidney disease. Last evaluated: 2024-08-14. Review status: criteria provided, single submitter. Criteria: Natera Variant Classification Schema (03/2026). Collection method: clinical testing. Allele origin: germline.
Comment: The c.2280-2A>G variant in PKHD1 is a canonical splice acceptor site variant predicted to affect pre-mRNA splicing, which may result in an abnormal transcript and altered protein product. This variant is expected to result in nonsense mediated decay, truncation, or a dysfunctional protein product. This variant is rare in the general population with a frequency below the threshold expected for the associated phenotype(s). Another variant at this same site results in an alteration predicted to cause a similar molecular effect has been observed in individual(s) with the associated phenotype. Given the available evidence, this variant is classified as Pathogenic.

Genomic Medicine Center of Excellence, King Faisal Specialist Hospital and Research Centre
Classification: Uncertain significance for Polycystic kidney disease 4. Last evaluated: 2024-03-25. Review status: criteria provided, single submitter. Criteria: ACMG Guidelines, 2015. Collection method: clinical testing. Allele origin: germline.

PreventionGenetics, part of Exact Sciences
Classification: Likely pathogenic for PKHD1-related condition. Last evaluated: 2023-07-18. Review status: criteria provided, single submitter. Criteria: ACMG Guidelines, 2015. Collection method: clinical testing. Allele origin: germline.
Comment: The PKHD1 c.2280-2A>G variant is predicted to disrupt the AG splice acceptor site and interfere with normal splicing. To our knowledge, this variant has not been reported in the literature. This variant is reported in 0.00088% of alleles in individuals of European (Non-Finnish) descent in gnomAD. Variants that disrupt the consensus splice acceptor site in PKHD1 are expected to be pathogenic. This variant is interpreted as likely pathogenic.

Labcorp Genetics (formerly Invitae), Labcorp
Classification: Likely pathogenic for Autosomal recessive polycystic kidney disease. Last evaluated: 2023-04-07. Review status: criteria provided, single submitter. Criteria: Invitae Variant Classification Sherloc (09022015). Collection method: clinical testing. Allele origin: germline.
Comment: Algorithms developed to predict the effect of sequence changes on RNA splicing suggest that this variant may disrupt the consensus splice site. ClinVar contains an entry for this variant (Variation ID: 970098). This variant has not been reported in the literature in individuals affected with PKHD1-related conditions. In summary, the currently available evidence indicates that the variant is pathogenic, but additional data are needed to prove that conclusively. Therefore, this variant has been classified as Likely Pathogenic. This variant is present in population databases (rs780675990, gnomAD 0.0009%). This sequence change affects an acceptor splice site in intron 22 of the PKHD1 gene. It is expected to disrupt RNA splicing. Variants that disrupt the donor or acceptor splice site typically lead to a loss of protein function (PMID: 16199547), and loss-of-function variants in PKHD1 are known to be pathogenic (PMID: 19940839).

Blueprint Genetics
Classification: Likely pathogenic for PKHD1-related disorders. Last evaluated: 2020-09-18. Review status: criteria provided, single submitter. Criteria: ACMG Guidelines, 2015. Collection method: clinical testing. Allele origin: germline. Affected: yes. Observed: 4 variant alleles.

Literature cited by the submitters: PubMed 16199547 (cited by Labcorp Genetics (formerly Invitae), Labcorp); PubMed 19940839 (cited by Labcorp Genetics (formerly Invitae), Labcorp).

NM_138694.4(PKHD1):c.2280-2A>G

Gene: PKHD1 (PKHD1 ciliary IPT domain containing fibrocystin/polyductin; minus strand). Cytogenetic location: 6p12.2.
Variant type: single nucleotide variant.
Coding change: c.2280-2A>G on transcript NM_138694.4 (MANE Select); the canonical splice acceptor site of the intron before coding-DNA position 2280, A replaced by G.
Molecular consequence: splice acceptor variant.
Genome position (GRCh38, 1-based): chr6:52,048,621, T>C on the plus strand (A>G on the coding strand, the complement: PKHD1 is on the minus strand). VCF-style: chr6-52048621-T-C. GRCh37 (hg19) VCF-style: chr6-51913419-T-C.
Other names: c.2280-2A>G (NM_170724.3).
Identifiers: ClinVar variation 970098 (VCV000970098.17), dbSNP rs780675990, ClinGen allele CA3853259.